The following is an entry in ClinVar:

NM_145239.3(PRRT2):c.506A>G (p.Glu169Gly)

Genes: MVP-DT (MVP divergent transcript; minus strand), PRRT2 (proline rich transmembrane protein 2; plus strand). Cytogenetic location: 16p11.2.
Variant type: single nucleotide variant.
Coding change: c.506A>G on transcript NM_145239.3 (MANE Select); coding-DNA position 506, A replaced by G.
Protein change: p.Glu169Gly; replaces glutamic acid 169 with glycine.
Molecular consequence: missense variant.
Genome position (GRCh38, 1-based): chr16:29,813,560, A>G. VCF-style: chr16-29813560-A-G. GRCh37 (hg19) VCF-style: chr16-29824881-A-G.
Other names: c.506A>G, p.Glu169Gly (NM_001256442.2, NM_001256443.2); short protein forms E169G.
Identifiers: ClinVar variation 1449898 (VCV001449898.30), dbSNP rs2142425015, ClinGen allele CA395478841.

ClinVar aggregate classification (germline): Uncertain significance. Review status: criteria provided, multiple submitters, no conflicts (2 of 4 stars). 2 submissions from 2 submitters: Uncertain significance (2). Last evaluated 2022-12-01.

Conditions:
Episodic kinesigenic dyskinesia (EKD). Also called: Paroxysmal kinesigenic dyskinesia. Identifiers: Orphanet 98809, MedGen C1868682, MONDO:0044202.

Allele frequency attached by ClinVar (database versions not stated): gnomAD exomes below 0.00001.

Submissions (2):

CeGaT Center for Human Genetics Tuebingen
Classification: Uncertain significance. Last evaluated: 2022-12-01. Review status: criteria provided, single submitter. Criteria: CeGaT Center For Human Genetics Tuebingen Variant Classification Criteria Version 2. Collection method: clinical testing. Allele origin: germline. Affected: yes. Observed: 1 variant allele.
Comment: PRRT2: PM2, BP4

Labcorp Genetics (formerly Invitae), Labcorp
Classification: Uncertain significance for Episodic kinesigenic dyskinesia. Last evaluated: 2021-09-15. Review status: criteria provided, single submitter. Criteria: Invitae Variant Classification Sherloc (09022015). Collection method: clinical testing. Allele origin: germline.
Comment: In summary, the available evidence is currently insufficient to determine the role of this variant in disease. Therefore, it has been classified as a Variant of Uncertain Significance. Algorithms developed to predict the effect of missense changes on protein structure and function are either unavailable or do not agree on the potential impact of this missense change (SIFT: "Deleterious"; PolyPhen-2: "Possibly Damaging"; Align-GVGD: "Class C0"). This variant has not been reported in the literature in individuals affected with PRRT2-related conditions. This variant is not present in population databases (ExAC no frequency). This sequence change replaces glutamic acid with glycine at codon 169 of the PRRT2 protein (p.Glu169Gly). The glutamic acid residue is highly conserved and there is a moderate physicochemical difference between glutamic acid and glycine.